The following is an entry in ClinVar:

ClinVar aggregate classification (germline): Pathogenic. Review status: criteria provided, multiple submitters, no conflicts (2 of 4 stars). 2 submissions from 2 submitters: Pathogenic (2). Last evaluated 2024-05-08.

Conditions:
Long chain 3-hydroxyacyl-CoA dehydrogenase deficiency. Also called: LCHAD Deficiency; Deficiency of long-chain 3-hydroxyacyl-coenzyme A dehydrogenase. Identifiers: Orphanet 5, MedGen C3711645, MONDO:0012173, OMIM 609016.
Mitochondrial trifunctional protein deficiency. Identifiers: Orphanet 746, MedGen C1969443, MONDO:0012172.

Submissions (2):

Myriad Genetics, Inc.
Classification: Pathogenic for Long chain 3-hydroxyacyl-CoA dehydrogenase deficiency. Last evaluated: 2024-05-08. Review status: criteria provided, single submitter. Criteria: Myriad Autosomal Dominant, Autosomal Recessive and X-Linked Classification Criteria (2023). Collection method: clinical testing. Allele origin: unknown.
Comment: NM_000182.4(HADHA):c.1336G>T(E446*) is expected to be pathogenic in the context of HADHA-related disorders. This variant is predicted to lead to an abnormal or absent protein product due to the creation of a premature termination codon in HADHA, a gene where loss-of-function variants are known to be pathogenic. Please note: this variant was assessed in the context of healthy population screening.

Labcorp Genetics (formerly Invitae), Labcorp
Classification: Pathogenic for Mitochondrial trifunctional protein deficiency; Long chain 3-hydroxyacyl-CoA dehydrogenase deficiency. Last evaluated: 2021-12-18. Review status: criteria provided, single submitter. Criteria: Invitae Variant Classification Sherloc (09022015). Collection method: clinical testing. Allele origin: germline.
Comment: For these reasons, this variant has been classified as Pathogenic. This variant has not been reported in the literature in individuals affected with HADHA-related conditions. This variant is not present in population databases (gnomAD no frequency). This sequence change creates a premature translational stop signal (p.Glu446*) in the HADHA gene. It is expected to result in an absent or disrupted protein product. Loss-of-function variants in HADHA are known to be pathogenic (PMID: 7738175, 21103935, 21549624, 22459206).

Literature cited by the submitters: PubMed 7738175 (cited by Labcorp Genetics (formerly Invitae), Labcorp); PubMed 21103935 (cited by Labcorp Genetics (formerly Invitae), Labcorp); PubMed 21549624 (cited by Labcorp Genetics (formerly Invitae), Labcorp); PubMed 22459206 (cited by Labcorp Genetics (formerly Invitae), Labcorp).

NM_000182.5(HADHA):c.1336G>T (p.Glu446Ter)

Genes: GAREM2 (GRB2 associated regulator of MAPK1 subtype 2; plus strand), HADHA (hydroxyacyl-CoA dehydrogenase trifunctional multienzyme complex subunit alpha; minus strand). Cytogenetic location: 2p23.3.
Variant type: single nucleotide variant.
Coding change: c.1336G>T on transcript NM_000182.5 (MANE Select); coding-DNA position 1336, G replaced by T.
Protein change: p.Glu446Ter; replaces glutamic acid 446 with a stop codon.
Molecular consequence: nonsense.
Genome position (GRCh38, 1-based): chr2:26,201,205, C>A on the plus strand (G>T on the coding strand, the complement: HADHA is on the minus strand). VCF-style: chr2-26201205-C-A. GRCh37 (hg19) VCF-style: chr2-26424074-C-A.
Other names: short protein forms E446*.
Identifiers: ClinVar variation 2046757 (VCV002046757.5), dbSNP rs762700531, ClinGen allele CA346126591.